The following is an entry in ClinVar:

NM_001903.5(CTNNA1):c.301+1G>A

Gene: CTNNA1 (catenin alpha 1; plus strand). Cytogenetic location: 5q31.2.
Variant type: single nucleotide variant.
Coding change: c.301+1G>A on transcript NM_001903.5 (MANE Select); the canonical splice donor site of the intron after coding-DNA position 301, G replaced by A.
Molecular consequence: splice donor variant. On other transcripts: intron variant (2).
Genome position (GRCh38, 1-based): chr5:138,783,373, G>A. VCF-style: chr5-138783373-G-A. GRCh37 (hg19) VCF-style: chr5-138119062-G-A.
Other names: c.301+1G>A (NM_001323982.2, NM_001323984.2, NM_001290307.3 and 4 more transcripts); c.-6+101G>A (NM_001290310.3); c.-9+1344G>A (NM_001290309.3).
Identifiers: ClinVar variation 1993496 (VCV001993496.6), dbSNP rs2532179776, ClinGen allele CA361477726.

ClinVar aggregate classification (germline): Likely pathogenic. Review status: criteria provided, multiple submitters, no conflicts (2 of 4 stars). 2 submissions from 2 submitters: Likely pathogenic (2). Last evaluated 2025-07-15.

Conditions:
Hereditary cancer-predisposing syndrome. Also called: Tumor predisposition; Hereditary Cancer Syndrome; Hereditary neoplastic syndrome; Neoplastic Syndromes, Hereditary. Identifiers: Orphanet 140162, MedGen C0027672, MeSH D009386, MONDO:0015356.

Submissions (2):

Ambry Genetics
Classification: Likely pathogenic for Hereditary cancer-predisposing syndrome. Last evaluated: 2025-07-15. Review status: criteria provided, single submitter. Criteria: Ambry Variant Classification Scheme 2023. Collection method: clinical testing. Allele origin: germline.
Comment: The c.301+1G>A intronic variant results from a G to A substitution one nucleotide after coding exon 2 of the CTNNA1 gene. This nucleotide position is highly conserved in available vertebrate species. In silico splice site analysis predicts that this alteration will weaken the native splice donor site and may result in the creation or strengthening of a novel splice donor site. RNA studies have demonstrated that this alteration results in abnormal splicing in the set of samples tested (Ambry internal data). Alterations that disrupt the canonical splice site are expected to cause aberrant splicing, resulting in an abnormal protein or a transcript that is subject to nonsense-mediated mRNA decay. Based on the majority of available evidence to date, this variant is likely to be pathogenic.

Labcorp Genetics (formerly Invitae), Labcorp
Classification: Likely pathogenic. Last evaluated: 2023-10-23. Review status: criteria provided, single submitter. Criteria: Invitae Variant Classification Sherloc (09022015). Collection method: clinical testing. Allele origin: germline.
Comment: This sequence change affects a donor splice site in intron 3 of the CTNNA1 gene. It is expected to disrupt RNA splicing. Variants that disrupt the donor or acceptor splice site typically lead to a loss of protein function (PMID: 16199547), and loss-of-function variants in CTNNA1 are known to be pathogenic (PMID: 32051609, 34425242). This variant is not present in population databases (gnomAD no frequency). This variant has not been reported in the literature in individuals affected with CTNNA1-related conditions. ClinVar contains an entry for this variant (Variation ID: 1993496). Algorithms developed to predict the effect of sequence changes on RNA splicing suggest that this variant may disrupt the consensus splice site. In summary, the currently available evidence indicates that the variant is pathogenic, but additional data are needed to prove that conclusively. Therefore, this variant has been classified as Likely Pathogenic.

Literature cited by the submitters: PubMed 16199547 (cited by Labcorp Genetics (formerly Invitae), Labcorp); PubMed 32051609 (cited by Labcorp Genetics (formerly Invitae), Labcorp); PubMed 34425242 (cited by Labcorp Genetics (formerly Invitae), Labcorp).